The following is an entry in ClinVar:

ClinVar aggregate classification (germline): Uncertain significance. Review status: criteria provided, multiple submitters, no conflicts (2 of 4 stars). 2 submissions from 2 submitters: Uncertain significance (2). Last evaluated 2025-01-07.

Conditions:
Inborn genetic diseases. Identifiers: MedGen C0950123, MeSH D030342.

Allele frequency attached by ClinVar (database versions not stated): TOPMed 0.00001; ExAC 0.00002; gnomAD exomes 0.00002; gnomAD 0.00003 and 0.00004; ESP Exome Variant Server 0.00008.
gnomAD v4.1: 38 of 1,613,592 alleles (0.0024%); highest among the groups gnomAD compares: Non-Finnish European, 0.0027%; no homozygotes.

Submissions (2):

Ambry Genetics
Classification: Uncertain significance for Inborn genetic diseases. Last evaluated: 2025-01-07. Review status: criteria provided, single submitter. Criteria: Ambry Variant Classification Scheme 2023. Collection method: clinical testing. Allele origin: germline.

Labcorp Genetics (formerly Invitae), Labcorp
Classification: Uncertain significance. Last evaluated: 2022-08-31. Review status: criteria provided, single submitter. Criteria: Invitae Variant Classification Sherloc (09022015). Collection method: clinical testing. Allele origin: germline.
Comment: This sequence change replaces proline, which is neutral and non-polar, with serine, which is neutral and polar, at codon 491 of the ACBD5 protein (p.Pro491Ser). This variant is present in population databases (rs372635761, gnomAD 0.004%). This variant has not been reported in the literature in individuals affected with ACBD5-related conditions. ClinVar contains an entry for this variant (Variation ID: 1462657). Algorithms developed to predict the effect of missense changes on protein structure and function are either unavailable or do not agree on the potential impact of this missense change (SIFT: "Deleterious"; PolyPhen-2: "Probably Damaging"; Align-GVGD: "Class C0"). In summary, the available evidence is currently insufficient to determine the role of this variant in disease. Therefore, it has been classified as a Variant of Uncertain Significance.

NM_145698.5(ACBD5):c.1471C>T (p.Pro491Ser)

Gene: ACBD5 (acyl-CoA binding domain containing 5; minus strand). Cytogenetic location: 10p12.1.
Variant type: single nucleotide variant.
Coding change: c.1471C>T on transcript NM_145698.5 (MANE Select); coding-DNA position 1471, C replaced by T.
Protein change: p.Pro491Ser; replaces proline 491 with serine.
Molecular consequence: missense variant.
Genome position (GRCh38, 1-based): chr10:27,204,534, G>A on the plus strand (C>T on the coding strand, the complement: ACBD5 is on the minus strand). VCF-style: chr10-27204534-G-A. GRCh37 (hg19) VCF-style: chr10-27493463-G-A.
Other names: c.1399C>T, p.Pro467Ser (NM_001352576.2, NM_001352574.2, NM_001352575.2); c.1366C>T, p.Pro456Ser (NM_001352577.2, NM_001352578.2, NM_001352579.2 and 1 more transcripts); c.1144C>T, p.Pro382Ser (NM_001352584.1, NM_001352583.1, NM_001301251.2 and 2 more transcripts); c.1312C>T, p.Pro438Ser (NM_001352580.2); c.1300C>T, p.Pro434Ser (NM_001352581.1); c.1162C>T, p.Pro388Ser (NM_001352582.2); c.1465C>T, p.Pro489Ser (NM_001271512.3); c.940C>T, p.Pro314Ser (NM_001301254.2); and 11 more; short protein forms P423S, P467S, P489S, P498S, P432S, P434S, P491S, P500S.
Identifiers: ClinVar variation 1462657 (VCV001462657.4), dbSNP rs372635761, ClinGen allele CA5450625.